The following is an entry in ClinVar:

ClinVar aggregate classification (germline): Uncertain significance (1 of 4 stars; one submission).

Conditions:
Microcephaly 22, primary, autosomal recessive. Identifiers: MedGen C4693834, MONDO:0054805, OMIM 617984.

Allele frequency attached by ClinVar (database versions not stated): TOPMed 0.00001.
gnomAD v4.1: 5 of 1,586,380 alleles (0.00032%); highest among the groups gnomAD compares: African/African-American, 0.0014%; no homozygotes.

Submission:

Baylor Genetics
Classification: Uncertain significance for Microcephaly 22, primary, autosomal recessive. Last evaluated: 2018-08-30. Review status: criteria provided, single submitter. Criteria: ACMG Guidelines, 2015. Collection method: clinical testing. Allele origin: paternal. Affected: yes.
Comment: This variant was determined to be of uncertain significance according to ACMG Guidelines, 2015 [PMID:25741868].

NM_015261.3(NCAPD3):c.2062G>T (p.Ala688Ser)

Gene: NCAPD3 (non-SMC condensin II complex subunit D3; minus strand). Cytogenetic location: 11q25.
Variant type: single nucleotide variant.
Coding change: c.2062G>T on transcript NM_015261.3 (MANE Select); coding-DNA position 2062, G replaced by T.
Protein change: p.Ala688Ser; replaces alanine 688 with serine.
Molecular consequence: missense variant.
Genome position (GRCh38, 1-based): chr11:134,185,510, C>A on the plus strand (G>T on the coding strand, the complement: NCAPD3 is on the minus strand). VCF-style: chr11-134185510-C-A. GRCh37 (hg19) VCF-style: chr11-134055405-C-A.
Other names: c.2062G>T, p.Ala688Ser (NM_001372065.1, NM_001372068.1); c.1648G>T, p.Ala550Ser (NM_001372069.1, NM_001372070.1); short protein forms A550S, A688S.
Identifiers: ClinVar variation 1031889 (VCV001031889.1), dbSNP rs1249831283, ClinGen allele CA383515757.